The following is an entry in ClinVar:

ClinVar aggregate classification (germline): Benign (1 of 4 stars; one submission).

Allele frequency attached by ClinVar (database versions not stated): TOPMed 0.10563; 1000 Genomes Project 30x 0.12071; gnomAD 0.12103; 1000 Genomes Project 0.11961.
gnomAD v4.1: 18,540 of 152,218 alleles (12%); highest among the groups gnomAD compares: South Asian, 18%; 1,302 homozygotes.

Submission:

GeneDx
Classification: Benign. Last evaluated: 2018-06-19. Review status: criteria provided, single submitter. Criteria: GeneDx Variant Classification (06012015). Collection method: clinical testing. Allele origin: germline. Affected: yes.
Comment: This variant is considered likely benign or benign based on one or more of the following criteria: it is a conservative change, it occurs at a poorly conserved position in the protein, it is predicted to be benign by multiple in silico algorithms, and/or has population frequency not consistent with disease.

NM_020822.3(KCNT1):c.255-294G>A

Gene: KCNT1 (potassium sodium-activated channel subfamily T member 1; plus strand). Cytogenetic location: 9q34.3.
Variant type: single nucleotide variant.
Coding change: c.255-294G>A on transcript NM_020822.3 (MANE Select); 294 bases into the intron before coding-DNA position 255, G replaced by A.
Molecular consequence: intron variant.
Genome position (GRCh38, 1-based): chr9:135,749,804, G>A. VCF-style: chr9-135749804-G-A. GRCh37 (hg19) VCF-style: chr9-138641650-G-A.
Other names: c.111-294G>A (NM_001272003.2).
Identifiers: ClinVar variation 683562 (VCV000683562.1), dbSNP rs11103160, ClinGen allele CA13003861.